The following is an entry in ClinVar:

ClinVar aggregate classification (germline): Likely benign. Review status: criteria provided, multiple submitters, no conflicts (2 of 4 stars). 4 submissions from 4 submitters: Likely benign (3). 1 of the submissions does not count toward it. Last evaluated 2025-03-01.

Conditions:
Premature menopause. Identifiers: MedGen C0025322, MONDO:0001119.

Allele frequency attached by ClinVar (database versions not stated): gnomAD exomes 0.00360 and 0.00471; ExAC 0.00379; TOPMed 0.00415; gnomAD 0.00373 and 0.00374; ESP Exome Variant Server 0.00441; 1000 Genomes Project 30x 0.00219; 1000 Genomes Project 0.00200.
gnomAD v4.1: 6,995 of 1,519,506 alleles (0.46%); highest among the groups gnomAD compares: Non-Finnish European, 0.53%; 23 homozygotes.

Submissions (4):

CeGaT Center for Human Genetics Tuebingen
Classification: Likely benign. Last evaluated: 2025-03-01. Review status: criteria provided, single submitter. Criteria: CeGaT Center For Human Genetics Tuebingen Variant Classification Criteria Version 2. Collection method: clinical testing. Allele origin: germline. Affected: yes. Observed: 1 variant allele.
Comment: FOXK2: BS2

Labcorp Genetics (formerly Invitae), Labcorp
Classification: Likely benign. Last evaluated: 2018-07-21. Review status: criteria provided, single submitter. Criteria: Invitae Variant Classification Sherloc (09022015). Collection method: clinical testing. Allele origin: germline.

Breakthrough Genomics
Classification: Likely benign. Review status: criteria provided, single submitter. Criteria: ACMG Guidelines, 2015. Collection method: not provided. Allele origin: germline. Inheritance: Unknown mechanism. Affected: yes.

Reproductive Development, Murdoch Childrens Research Institute
Classification: Uncertain significance for Premature ovarian insufficiency. Last evaluated: 2018-01-10. Review status: no assertion criteria provided. Criteria: ACMG Guidelines, 2015. Collection method: research. Allele origin: germline. Affected: yes. Not counted in ClinVar's aggregate classification.

NM_004514.4(FOXK2):c.154C>T (p.Arg52Cys)

Gene: FOXK2 (forkhead box K2; plus strand). Cytogenetic location: 17q25.3.
Variant type: single nucleotide variant.
Coding change: c.154C>T on transcript NM_004514.4 (MANE Select); coding-DNA position 154, C replaced by T.
Protein change: p.Arg52Cys; replaces arginine 52 with cysteine.
Molecular consequence: missense variant.
Genome position (GRCh38, 1-based): chr17:82,520,042, C>T. VCF-style: chr17-82520042-C-T. GRCh37 (hg19) VCF-style: chr17-80477918-C-T.
Other names: short protein forms R52C.
Identifiers: ClinVar variation 619076 (VCV000619076.13), dbSNP rs146516291, ClinGen allele CA8859085.